The following is an entry in ClinVar:

ClinVar aggregate classification (germline): Uncertain significance (1 of 4 stars; one submission).

Submission:

Labcorp Genetics (formerly Invitae), Labcorp
Classification: Uncertain significance. Last evaluated: 2021-11-03. Review status: criteria provided, single submitter. Criteria: Invitae Variant Classification Sherloc (09022015). Collection method: clinical testing. Allele origin: germline.
Comment: In summary, the available evidence is currently insufficient to determine the role of this variant in disease. Therefore, it has been classified as a Variant of Uncertain Significance. Experimental studies and prediction algorithms are not available or were not evaluated, and the functional significance of this variant is currently unknown. This variant has not been reported in the literature in individuals affected with SP8-related conditions. This variant is not present in population databases (gnomAD no frequency). This sequence change results in a frameshift in the SP8 gene (p.Leu258Alafs*308). While this is not anticipated to result in nonsense mediated decay, it is expected to disrupt the last 251 amino acid(s) of the SP8 protein and extend the protein by 56 additional amino acid residues.

NM_182700.6(SP8):c.771dup (p.Leu258fs)

Gene: SP8 (Sp8 transcription factor; minus strand). Cytogenetic location: 7p21.1.
Variant type: Duplication.
Coding change: c.771dup on transcript NM_182700.6 (MANE Select); coding-DNA position 771, one base duplicated (G; older notation c.771dupG).
Protein change: p.Leu258fs; shifts the reading frame from leucine 258.
Molecular consequence: frameshift variant.
Genome position (GRCh38, 1-based): chr7:20,785,046, C duplicated on the plus strand (G on the coding strand, the reverse complement: SP8 is on the minus strand); the first of 6 consecutive C bases (chr7:20,785,046-20,785,051); duplicating any one gives the same sequence. VCF-style (leftmost placement, unchanged base first): chr7-20785045-G-GC. GRCh37 (hg19) VCF-style: chr7-20824664-G-GC.
Other names: c.717dup, p.Leu240fs (NM_198956.4); short protein forms L240fs, L258fs.
Identifiers: ClinVar variation 1390888 (VCV001390888.6), dbSNP rs1176123356, ClinGen allele CA573291900.